The following is an entry in ClinVar:

ClinVar aggregate classification (germline): Uncertain significance (1 of 4 stars; one submission).

Conditions:
Werner syndrome (WRN). Identifiers: Orphanet 902, MedGen C0043119, MONDO:0010196, OMIM 277700.

gnomAD v4.1: 2 of 1,613,334 alleles (0.00012%); highest among the groups gnomAD compares: South Asian, 0.0011%; no homozygotes.

Submission:

Labcorp Genetics (formerly Invitae), Labcorp
Classification: Uncertain significance for Werner syndrome. Last evaluated: 2019-12-16. Review status: criteria provided, single submitter. Criteria: Invitae Variant Classification Sherloc (09022015). Collection method: clinical testing. Allele origin: germline.
Comment: In summary, the available evidence is currently insufficient to determine the role of this variant in disease. Therefore, it has been classified as a Variant of Uncertain Significance. Algorithms developed to predict the effect of missense changes on protein structure and function output the following: SIFT: "Not Available"; PolyPhen-2: "Benign"; Align-GVGD: "Not Available". The aspartic acid amino acid residue is found in multiple mammalian species, suggesting that this missense change does not adversely affect protein function. These predictions have not been confirmed by published functional studies and their clinical significance is uncertain. This variant has not been reported in the literature in individuals with WRN-related conditions. This variant is not present in population databases (ExAC no frequency). This sequence change replaces glutamic acid with aspartic acid at codon 521 of the WRN protein (p.Glu521Asp). The glutamic acid residue is moderately conserved and there is a small physicochemical difference between glutamic acid and aspartic acid.

NM_000553.6(WRN):c.1563A>T (p.Glu521Asp)

Gene: WRN (WRN RecQ like helicase; plus strand). Cytogenetic location: 8p12.
Variant type: single nucleotide variant.
Coding change: c.1563A>T on transcript NM_000553.6 (MANE Select); coding-DNA position 1563, A replaced by T.
Protein change: p.Glu521Asp; replaces glutamic acid 521 with aspartic acid.
Molecular consequence: missense variant.
Genome position (GRCh38, 1-based): chr8:31,087,907, A>T. VCF-style: chr8-31087907-A-T. GRCh37 (hg19) VCF-style: chr8-30945423-A-T.
Other names: short protein forms E521D.
Identifiers: ClinVar variation 840801 (VCV000840801.5), dbSNP rs747825738, ClinGen allele CA370924930.